The following is an entry in ClinVar:

ClinVar aggregate classification (germline): Uncertain significance (1 of 4 stars; one submission).

Allele frequency attached by ClinVar (database versions not stated): gnomAD exomes below 0.00001 and 0.00001; TOPMed below 0.00001.
gnomAD v4.1: 7 of 1,613,604 alleles (0.00043%); highest among the groups gnomAD compares: East Asian, 0.0022%; no homozygotes.

Submission:

GeneDx
Classification: Uncertain significance. Last evaluated: 2019-10-11. Review status: criteria provided, single submitter. Criteria: GeneDx Variant Classification Process June 2021. Collection method: clinical testing. Allele origin: germline. Affected: yes.
Comment: Not observed at a significant frequency in large population cohorts (Lek et al., 2016); In silico analysis, which includes protein predictors and evolutionary conservation, supports a deleterious effect; Has not been previously published as pathogenic or benign to our knowledge

NM_012233.3(RAB3GAP1):c.1495C>T (p.Pro499Ser)

Gene: RAB3GAP1 (RAB3 GTPase activating protein catalytic subunit 1; plus strand). Cytogenetic location: 2q21.3.
Variant type: single nucleotide variant.
Coding change: c.1495C>T on transcript NM_012233.3 (MANE Select); coding-DNA position 1495, C replaced by T.
Protein change: p.Pro499Ser; replaces proline 499 with serine.
Molecular consequence: missense variant.
Genome position (GRCh38, 1-based): chr2:135,134,029, C>T. VCF-style: chr2-135134029-C-T. GRCh37 (hg19) VCF-style: chr2-135891599-C-T.
Other names: c.1495C>T, p.Pro499Ser (NM_001172435.2); short protein forms P499S.
Identifiers: ClinVar variation 1309129 (VCV001309129.2), dbSNP rs1356056397, ClinGen allele CA348576158.